The following is an entry in ClinVar:

NM_001034850.3(RETREG1):c.671-55T>C

Gene: RETREG1 (reticulophagy regulator 1; minus strand). Cytogenetic location: 5p15.1.
Variant type: single nucleotide variant.
Coding change: c.671-55T>C on transcript NM_001034850.3 (MANE Select); 55 bases into the intron before coding-DNA position 671, T replaced by C.
Molecular consequence: intron variant.
Genome position (GRCh38, 1-based): chr5:16,479,042, A>G on the plus strand (T>C on the coding strand, the complement: RETREG1 is on the minus strand). VCF-style: chr5-16479042-A-G. GRCh37 (hg19) VCF-style: chr5-16479151-A-G.
Other names: c.248-55T>C (NM_019000.5).
Identifiers: ClinVar variation 673438 (VCV000673438.2), dbSNP rs6883888, ClinGen allele CA12095759.
Genomic context (GRCh38, chr5:16,479,042, plus strand): 5'-ACAGTACTGAAAGAAGAAAGAGAGCAGAGGTAAAATGCCTTTCCTTTCAAAAGGCTACGT[A>G]CATTTCAGTATTTCACAAAATACTACATTTCTTTACTGAAAAACTTAAGTTTTTTTAAGG-3'

ClinVar aggregate classification (germline): Benign. Review status: criteria provided, multiple submitters, no conflicts (2 of 4 stars). 2 submissions from 2 submitters: Benign (2). Last evaluated 2018-06-19.

Allele frequency attached by ClinVar (database versions not stated): 1000 Genomes Project 0.13778; 1000 Genomes Project 30x 0.14007; TOPMed 0.24707; gnomAD 0.26090 and 0.26680; gnomAD exomes 0.33835.
gnomAD v4.1: 512,970 of 1,554,794 alleles (33%); highest among the groups gnomAD compares: Non-Finnish European, 38%; 93,663 homozygotes.

Submissions (2):

GeneDx
Classification: Benign. Last evaluated: 2018-06-19. Review status: criteria provided, single submitter. Criteria: GeneDx Variant Classification (06012015). Collection method: clinical testing. Allele origin: germline. Affected: yes.
Comment: This variant is considered likely benign or benign based on one or more of the following criteria: it is a conservative change, it occurs at a poorly conserved position in the protein, it is predicted to be benign by multiple in silico algorithms, and/or has population frequency not consistent with disease.

Breakthrough Genomics
Classification: Benign. Review status: criteria provided, single submitter. Criteria: ACMG Guidelines, 2015. Collection method: not provided. Allele origin: germline. Inheritance: Autosomal recessive inheritance. Affected: yes.